The following is an entry in ClinVar:

ClinVar aggregate classification (germline): Uncertain significance (1 of 4 stars; one submission).

Conditions:
Pure or complex autosomal recessive spastic paraplegia. Identifiers: Orphanet 320346, MedGen C5679887, MONDO:0017915.

Allele frequency attached by ClinVar (database versions not stated): gnomAD exomes below 0.00001; TOPMed below 0.00001.
gnomAD v4.1: 2 of 1,614,202 alleles (0.00012%); highest among the groups gnomAD compares: Non-Finnish European, 0.00017%; no homozygotes.

Submission:

Labcorp Genetics (formerly Invitae), Labcorp
Classification: Uncertain significance for Pure or complex autosomal recessive spastic paraplegia. Last evaluated: 2023-07-07. Review status: criteria provided, single submitter. Criteria: Invitae Variant Classification Sherloc (09022015). Collection method: clinical testing. Allele origin: germline.
Comment: In summary, the available evidence is currently insufficient to determine the role of this variant in disease. Therefore, it has been classified as a Variant of Uncertain Significance. Algorithms developed to predict the effect of missense changes on protein structure and function output the following: SIFT: "Not Available"; PolyPhen-2: "Not Available"; Align-GVGD: "Not Available". The glycine amino acid residue is found in multiple mammalian species, which suggests that this missense change does not adversely affect protein function. ClinVar contains an entry for this variant (Variation ID: 2152666). This variant has not been reported in the literature in individuals affected with ZFR-related conditions. This variant is present in population databases (no rsID available, gnomAD 0.004%). This sequence change replaces serine, which is neutral and polar, with glycine, which is neutral and non-polar, at codon 448 of the ZFR protein (p.Ser448Gly).

NM_016107.5(ZFR):c.1342A>G (p.Ser448Gly)

Gene: ZFR (zinc finger RNA binding protein; minus strand). Cytogenetic location: 5p13.3.
Variant type: single nucleotide variant.
Coding change: c.1342A>G on transcript NM_016107.5 (MANE Select); coding-DNA position 1342, A replaced by G.
Protein change: p.Ser448Gly; replaces serine 448 with glycine.
Molecular consequence: missense variant. On other transcripts: non-coding transcript variant (1).
Genome position (GRCh38, 1-based): chr5:32,403,280, T>C on the plus strand (A>G on the coding strand, the complement: ZFR is on the minus strand). VCF-style: chr5-32403280-T-C. GRCh37 (hg19) VCF-style: chr5-32403385-T-C.
Other names: short protein forms S448G.
Identifiers: ClinVar variation 2152666 (VCV002152666.4), dbSNP rs1163785933, ClinGen allele CA359360019.